The following is an entry in ClinVar:

NM_001278064.2(GRM1):c.2485T>C (p.Cys829Arg)

Gene: GRM1 (glutamate metabotropic receptor 1; plus strand). Cytogenetic location: 6q24.3.
Variant type: single nucleotide variant.
Coding change: c.2485T>C on transcript NM_001278064.2 (MANE Select); coding-DNA position 2485, T replaced by C.
Protein change: p.Cys829Arg; replaces cysteine 829 with arginine.
Molecular consequence: missense variant.
Genome position (GRCh38, 1-based): chr6:146,399,524, T>C. VCF-style: chr6-146399524-T-C. GRCh37 (hg19) VCF-style: chr6-146720660-T-C.
Other names: c.2485T>C, p.Cys829Arg (NM_001278065.2, NM_001278066.1, NM_001278067.1); short protein forms C829R.
Identifiers: ClinVar variation 3901325 (VCV003901325.1).

ClinVar aggregate classification (germline): Uncertain significance (1 of 4 stars; one submission).

Submission:

GeneDx
Classification: Uncertain significance. Last evaluated: 2024-12-09. Review status: criteria provided, single submitter. Criteria: GeneDx Variant Classification Process June 2021. Collection method: clinical testing. Allele origin: germline. Affected: yes.
Comment: Not observed at significant frequency in large population cohorts (gnomAD); In silico analysis supports that this missense variant has a deleterious effect on protein structure/function; Has not been previously published as pathogenic or benign to our knowledge